The following is an entry in ClinVar:

NM_003384.3(VRK1):c.1159+235C>T

Gene: VRK1 (VRK serine/threonine kinase 1; plus strand). Cytogenetic location: 14q32.2.
Variant type: single nucleotide variant.
Coding change: c.1159+235C>T on transcript NM_003384.3 (MANE Select); 235 bases into the intron after coding-DNA position 1159, C replaced by T.
Molecular consequence: intron variant.
Genome position (GRCh38, 1-based): chr14:96,876,355, C>T. VCF-style: chr14-96876355-C-T. GRCh37 (hg19) VCF-style: chr14-97342692-C-T.
Other names: c.1159+235C>T (NM_001411051.1); c.1156+235C>T (NM_001411053.1).
Identifiers: ClinVar variation 3904897 (VCV003904897.10).

ClinVar aggregate classification (germline): Likely benign (1 of 4 stars; one submission).

gnomAD v4.1: 268 of 152,138 alleles (0.18%); highest among the groups gnomAD compares: Non-Finnish European, 0.33%; 1 homozygote.

Submission:

CeGaT Center for Human Genetics Tuebingen
Classification: Likely benign. Last evaluated: 2026-02-01. Review status: criteria provided, single submitter. Criteria: CeGaT Center For Human Genetics Tuebingen Variant Classification Criteria Version 2. Collection method: clinical testing. Allele origin: germline. Affected: yes. Observed: 3 variant alleles.
Comment: VRK1: BP4, BP7